The following is an entry in ClinVar:

ClinVar aggregate classification (germline): Conflicting classifications of pathogenicity. Review status: criteria provided, conflicting classifications (1 of 4 stars). 2 submissions from 2 submitters: Uncertain significance (1); Likely benign (1). Last evaluated 2025-10-02.

Conditions:
Hereditary cancer-predisposing syndrome. Also called: Hereditary neoplastic syndrome; Neoplastic Syndromes, Hereditary; Hereditary Cancer Syndrome; Tumor predisposition. Identifiers: Orphanet 140162, MedGen C0027672, MeSH D009386, MONDO:0015356.

gnomAD v4.1: 20 of 1,613,770 alleles (0.0012%); highest among the groups gnomAD compares: South Asian, 0.02%; no homozygotes.

Submissions (2):

Labcorp Genetics (formerly Invitae), Labcorp
Classification: Uncertain significance. Last evaluated: 2025-10-02. Review status: criteria provided, single submitter. Criteria: Invitae Variant Classification Sherloc (09022015). Collection method: clinical testing. Allele origin: germline.
Comment: This sequence change replaces arginine, which is basic and polar, with glycine, which is neutral and non-polar, at codon 2225 of the POLE protein (p.Arg2225Gly). This variant is present in population databases (rs765125852, gnomAD 0.03%). This variant has not been reported in the literature in individuals affected with POLE-related conditions. ClinVar contains an entry for this variant (Variation ID: 967015). Invitae Evidence Modeling of protein sequence and biophysical properties (such as structural, functional, and spatial information, amino acid conservation, physicochemical variation, residue mobility, and thermodynamic stability) indicates that this missense variant is not expected to disrupt POLE protein function with a negative predictive value of 80%. In summary, the available evidence is currently insufficient to determine the role of this variant in disease. Therefore, it has been classified as a Variant of Uncertain Significance.

Ambry Genetics
Classification: Likely benign for Hereditary cancer-predisposing syndrome. Last evaluated: 2024-10-17. Review status: criteria provided, single submitter. Criteria: Ambry Variant Classification Scheme 2023. Collection method: clinical testing. Allele origin: germline.

NM_006231.4(POLE):c.6673C>G (p.Arg2225Gly)

Gene: POLE (DNA polymerase epsilon, catalytic subunit; minus strand). Cytogenetic location: 12q24.33.
Variant type: single nucleotide variant.
Coding change: c.6673C>G on transcript NM_006231.4 (MANE Select); coding-DNA position 6673, C replaced by G.
Protein change: p.Arg2225Gly; replaces arginine 2225 with glycine.
Molecular consequence: missense variant.
Genome position (GRCh38, 1-based): chr12:132,624,979, G>C on the plus strand (C>G on the coding strand, the complement: POLE is on the minus strand). VCF-style: chr12-132624979-G-C. GRCh37 (hg19) VCF-style: chr12-133201565-G-C.
Other names: short protein forms R2225G.
Identifiers: ClinVar variation 967015 (VCV000967015.13), dbSNP rs765125852, ClinGen allele CA6892016.